The following is an entry in ClinVar:

NM_005732.4(RAD50):c.1682A>G (p.Asp561Gly)

Gene: RAD50 (RAD50 double strand break repair protein; plus strand). Cytogenetic location: 5q31.1.
Variant type: single nucleotide variant.
Coding change: c.1682A>G on transcript NM_005732.4 (MANE Select); coding-DNA position 1682, A replaced by G.
Protein change: p.Asp561Gly; replaces aspartic acid 561 with glycine.
Molecular consequence: missense variant.
Genome position (GRCh38, 1-based): chr5:132,591,923, A>G. VCF-style: chr5-132591923-A-G. GRCh37 (hg19) VCF-style: chr5-131927615-A-G.
Other names: short protein forms D561G.
Identifiers: ClinVar variation 3224945 (VCV003224945.1), dbSNP rs2479643500, ClinGen allele CA360946422.

ClinVar aggregate classification (germline): Uncertain significance (1 of 4 stars; one submission).

Conditions:
Hereditary cancer-predisposing syndrome. Also called: Neoplastic Syndromes, Hereditary; Tumor predisposition; Hereditary neoplastic syndrome; Hereditary Cancer Syndrome. Identifiers: Orphanet 140162, MedGen C0027672, MeSH D009386, MONDO:0015356.

Submission:

Ambry Genetics
Classification: Uncertain significance for Hereditary cancer-predisposing syndrome. Last evaluated: 2023-09-29. Review status: criteria provided, single submitter. Criteria: Ambry Variant Classification Scheme 2023. Collection method: clinical testing. Allele origin: germline.
Comment: The p.D561G variant (also known as c.1682A>G), located in coding exon 11 of the RAD50 gene, results from an A to G substitution at nucleotide position 1682. The aspartic acid at codon 561 is replaced by glycine, an amino acid with similar properties. This amino acid position is conserved. In addition, this alteration is predicted to be tolerated by in silico analysis. Since supporting evidence is limited at this time, the clinical significance of this alteration remains unclear.